The following is an entry in ClinVar:

ClinVar aggregate classification (germline): Uncertain significance (1 of 4 stars; one submission).

gnomAD v4.1: 2 of 1,613,554 alleles (0.00012%); highest among the groups gnomAD compares: Admixed American, 0.0017%; no homozygotes.

Submission:

Labcorp Genetics (formerly Invitae), Labcorp
Classification: Uncertain significance. Last evaluated: 2025-07-29. Review status: criteria provided, single submitter. Criteria: Invitae Variant Classification Sherloc (09022015). Collection method: clinical testing. Allele origin: germline.
Comment: This sequence change replaces proline, which is neutral and non-polar, with alanine, which is neutral and non-polar, at codon 209 of the PROM1 protein (p.Pro209Ala). This variant is present in population databases (no rsID available, gnomAD 0.003%). This variant has not been reported in the literature in individuals affected with PROM1-related conditions. Invitae Evidence Modeling of protein sequence and biophysical properties (such as structural, functional, and spatial information, amino acid conservation, physicochemical variation, residue mobility, and thermodynamic stability) has been performed for this missense variant. However, the output from this modeling did not meet the statistical confidence thresholds required to predict the impact of this variant on PROM1 protein function. In summary, the available evidence is currently insufficient to determine the role of this variant in disease. Therefore, it has been classified as a Variant of Uncertain Significance.

NM_006017.3(PROM1):c.625C>G (p.Pro209Ala)

Gene: PROM1 (prominin 1; minus strand). Cytogenetic location: 4p15.32.
Variant type: single nucleotide variant.
Coding change: c.625C>G on transcript NM_006017.3 (MANE Select); coding-DNA position 625, C replaced by G.
Protein change: p.Pro209Ala; replaces proline 209 with alanine.
Molecular consequence: missense variant. On other transcripts: non-coding transcript variant (2), intron variant (1).
Genome position (GRCh38, 1-based): chr4:16,025,197, G>C on the plus strand (C>G on the coding strand, the complement: PROM1 is on the minus strand). VCF-style: chr4-16025197-G-C. GRCh37 (hg19) VCF-style: chr4-16026820-G-C.
Other names: c.598C>G, p.Pro200Ala (NM_001145848.2, NM_001145851.2, NM_001145852.2 and 9 more transcripts); c.625C>G, p.Pro209Ala (NM_001145849.2, NM_001145850.2); c.259C>G, p.Pro87Ala (NM_001441179.1); c.519+79C>G (NM_001441174.1); short protein forms P209A, P200A, P87A.
Identifiers: ClinVar variation 4765114 (VCV004765114.1).